The following is an entry in ClinVar:

ClinVar aggregate classification (germline): Uncertain significance. Review status: criteria provided, single submitter (1 of 4 stars). 2 submissions from 2 submitters: Uncertain significance (1). 1 of the submissions does not count toward it. Last evaluated 2025-02-19.

Conditions:
Inborn genetic diseases. Identifiers: MedGen C0950123, MeSH D030342.

Allele frequency attached by ClinVar (database versions not stated): gnomAD 0.00019 and 0.00021; ESP Exome Variant Server 0.00008; 1000 Genomes Project 30x 0.00016; gnomAD exomes 0.00002 and 0.00005; ExAC 0.00003; TOPMed 0.00018; 1000 Genomes Project 0.00020.
gnomAD v4.1: 60 of 1,614,156 alleles (0.0037%); highest among the groups gnomAD compares: African/African-American, 0.057%; no homozygotes.

Submissions (2):

Ambry Genetics
Classification: Uncertain significance for Inborn genetic diseases. Last evaluated: 2025-02-19. Review status: criteria provided, single submitter. Criteria: Ambry Variant Classification Scheme 2023. Collection method: clinical testing. Allele origin: germline.

Richard Lifton Laboratory, Yale University School of Medicine
Classification: Uncertain significance. Review status: no assertion criteria provided. Collection method: not provided. Allele origin: somatic. Not counted in ClinVar's aggregate classification.
Comment: CHSY1
ClinVar note: Converted during submission from unknown to Uncertain significance.

NM_014918.5(CHSY1):c.731G>A (p.Arg244Gln)

Gene: CHSY1 (chondroitin sulfate synthase 1; minus strand). Cytogenetic location: 15q26.3.
Variant type: single nucleotide variant.
Coding change: c.731G>A on transcript NM_014918.5 (MANE Select); coding-DNA position 731, G replaced by A.
Protein change: p.Arg244Gln; replaces arginine 244 with glutamine.
Molecular consequence: missense variant.
Genome position (GRCh38, 1-based): chr15:101,235,167, C>T on the plus strand (G>A on the coding strand, the complement: CHSY1 is on the minus strand). VCF-style: chr15-101235167-C-T. GRCh37 (hg19) VCF-style: chr15-101775372-C-T.
Other names: short protein forms R244Q.
Identifiers: ClinVar variation 91982 (VCV000091982.3), dbSNP rs386352292, ClinGen allele CA232291.